The following is an entry in ClinVar:

ClinVar aggregate classification (germline): Uncertain significance (1 of 4 stars; one submission).

Submission:

GeneDx
Classification: Uncertain significance. Last evaluated: 2024-04-18. Review status: criteria provided, single submitter. Criteria: GeneDx Variant Classification Process June 2021. Collection method: clinical testing. Allele origin: germline. Affected: yes.
Comment: Not observed at significant frequency in large population cohorts (gnomAD); In silico analysis supports that this missense variant has a deleterious effect on protein structure/function; Has not been previously published as pathogenic or benign to our knowledge.

NM_001110556.2(FLNA):c.5056T>G (p.Cys1686Gly)

Gene: FLNA (filamin A; minus strand). Cytogenetic location: Xq28.
Variant type: single nucleotide variant.
Coding change: c.5056T>G on transcript NM_001110556.2 (MANE Select); coding-DNA position 5056, T replaced by G.
Protein change: p.Cys1686Gly; replaces cysteine 1686 with glycine.
Molecular consequence: missense variant.
Genome position (GRCh38, 1-based): chrX:154,354,986, A>C on the plus strand (T>G on the coding strand, the complement: FLNA is on the minus strand). VCF-style: chrX-154354986-A-C. GRCh37 (hg19) VCF-style: chrX-153583354-A-C.
Other names: c.5032T>G, p.Cys1678Gly (NM_001456.4); short protein forms C1678G, C1686G.
Identifiers: ClinVar variation 3372817 (VCV003372817.1).